The following is an entry in ClinVar:

NM_001258392.3(CLPB):c.319del (p.Val107fs)

Genes: CLPB (ClpB family mitochondrial disaggregase; minus strand), LOC130006336 (ATAC-STARR-seq lymphoblastoid active region 5191; plus strand). Cytogenetic location: 11q13.4.
Variant type: Deletion.
Coding change: c.319del on transcript NM_001258392.3 (MANE Select); coding-DNA position 319, one base deleted (G; older notation c.319delG).
Protein change: p.Val107fs; shifts the reading frame from valine 107.
Molecular consequence: frameshift variant.
Genome position (GRCh38, 1-based): chr11:72,434,156, C deleted on the plus strand (G on the coding strand, the reverse complement: CLPB is on the minus strand); the first of 4 consecutive C bases (chr11:72,434,156-72,434,159); deleting any one gives the same sequence. VCF-style (leftmost placement, unchanged base first): chr11-72434155-AC-A. GRCh37 (hg19) VCF-style: chr11-72145199-AC-A.
Other names: c.319del, p.Val107fs (NM_001258393.3, NM_030813.6); c.77del, p.Gly26fs (NM_001258394.3); short protein forms V107fs, G26fs.
Identifiers: ClinVar variation 4721970 (VCV004721970.1).
Genomic context (GRCh38, chr11:72,434,155, plus strand): 5'-TAGCAATGAACCACCAGCGCTGCGGCCAGGGCGCACATGCCCAGTCCGGCCCTGCTGGGG[AC>A]CCCGTTCCAGCTGTCCTGTCCTGGGAGTGTTTCTTCGGGACCAGGAAGGCGTCCCCAAGT-3'

ClinVar aggregate classification (germline): Pathogenic (1 of 4 stars; one submission).

Conditions:
3-methylglutaconic aciduria, type VIIB (MGCA7B). Also called: CLPB Deficiency; 3-methylglutaconic aciduria, type VII, with cataracts, neurologic involvement and neutropenia; 3-methylglutaconic aciduria with cataracts, neurologic involvement and neutropenia. Identifiers: Orphanet 445038, MedGen C5676893, MONDO:0014561, OMIM 616271.

Submission:

Labcorp Genetics (formerly Invitae), Labcorp
Classification: Pathogenic for 3-methylglutaconic aciduria, type VIIB. Last evaluated: 2025-06-23. Review status: criteria provided, single submitter. Criteria: Invitae Variant Classification Sherloc (09022015). Collection method: clinical testing. Allele origin: germline.
Comment: This sequence change creates a premature translational stop signal (p.Val107Serfs*134) in the CLPB gene. It is expected to result in an absent or disrupted protein product. Loss-of-function variants in CLPB are known to be pathogenic (PMID: 25597510, 28687938). This variant is not present in population databases (gnomAD no frequency). This variant has not been reported in the literature in individuals affected with CLPB-related conditions. For these reasons, this variant has been classified as Pathogenic.

Literature cited by the submitters: PubMed 25597510; PubMed 28687938.